The following is an entry in ClinVar:

NM_000245.4(MET):c.431A>C (p.His144Pro)

Gene: MET (MET proto-oncogene, receptor tyrosine kinase; plus strand). Cytogenetic location: 7q31.2.
Variant type: single nucleotide variant.
Coding change: c.431A>C on transcript NM_000245.4 (MANE Select); coding-DNA position 431, A replaced by C.
Protein change: p.His144Pro; replaces histidine 144 with proline.
Molecular consequence: missense variant. On other transcripts: intron variant (1).
Genome position (GRCh38, 1-based): chr7:116,699,515, A>C. VCF-style: chr7-116699515-A-C. GRCh37 (hg19) VCF-style: chr7-116339569-A-C.
Other names: c.431A>C, p.His144Pro (NM_001127500.3, NM_001324401.3); c.-91+26938A>C (NM_001324402.2); short protein forms H144P.
Identifiers: ClinVar variation 1739678 (VCV001739678.2), dbSNP rs2116588677, ClinGen allele CA368969065.

ClinVar aggregate classification (germline): Uncertain significance (1 of 4 stars; one submission).

Conditions:
Hereditary cancer-predisposing syndrome. Also called: Hereditary Cancer Syndrome; Hereditary neoplastic syndrome; Neoplastic Syndromes, Hereditary; Tumor predisposition. Identifiers: Orphanet 140162, MedGen C0027672, MeSH D009386, MONDO:0015356.

Submission:

Ambry Genetics
Classification: Uncertain significance for Hereditary cancer-predisposing syndrome. Last evaluated: 2021-10-11. Review status: criteria provided, single submitter. Criteria: Ambry Variant Classification Scheme 2023. Collection method: clinical testing. Allele origin: germline.
Comment: The p.H144P variant (also known as c.431A>C), located in coding exon 1 of the MET gene, results from an A to C substitution at nucleotide position 431. The histidine at codon 144 is replaced by proline, an amino acid with similar properties. This amino acid position is well conserved in available vertebrate species. In addition, the in silico prediction for this alteration is inconclusive. Since supporting evidence is limited at this time, the clinical significance of this alteration remains unclear.